The following is an entry in ClinVar:

ClinVar aggregate classification (germline): Uncertain significance. Review status: criteria provided, multiple submitters, no conflicts (2 of 4 stars). 3 submissions from 3 submitters: Uncertain significance (3). Last evaluated 2026-08-22.

Conditions:
Inborn genetic diseases. Identifiers: MedGen C0950123, MeSH D030342.
Anophthalmia-microphthalmia syndrome. Also called: Anophthalmia - microphthalmia; Anophthalmia/Microphthalmia. Identifiers: Orphanet 98555, MedGen C5680330, MONDO:0020147.

Allele frequency attached by ClinVar (database versions not stated): 1000 Genomes Project 0.00040; 1000 Genomes Project 30x 0.00062; gnomAD 0.00001; gnomAD exomes 0.00001; TOPMed 0.00001; ExAC 0.00002.
gnomAD v4.1: 5 of 1,614,202 alleles (0.00031%); highest among the groups gnomAD compares: Admixed American, 0.0067%; no homozygotes.

Submissions (3):

GeneDx
Classification: Uncertain significance. Last evaluated: 2026-08-22. Review status: criteria provided, single submitter. Criteria: GeneDx Variant Classification Process June 2021. Collection method: clinical testing. Allele origin: germline.
Comment: In silico analysis supports that this missense variant has a deleterious effect on protein structure/function; Has not been previously published as pathogenic or benign to our knowledge

Ambry Genetics
Classification: Uncertain significance for Inborn genetic diseases. Last evaluated: 2025-08-23. Review status: criteria provided, single submitter. Criteria: Ambry Variant Classification Scheme 2023. Collection method: clinical testing. Allele origin: germline.

Labcorp Genetics (formerly Invitae), Labcorp
Classification: Uncertain significance for Anophthalmia-microphthalmia syndrome. Last evaluated: 2022-08-06. Review status: criteria provided, single submitter. Criteria: Invitae Variant Classification Sherloc (09022015). Collection method: clinical testing. Allele origin: germline.
Comment: This variant has not been reported in the literature in individuals affected with OTX2-related conditions. In summary, the available evidence is currently insufficient to determine the role of this variant in disease. Therefore, it has been classified as a Variant of Uncertain Significance. Algorithms developed to predict the effect of missense changes on protein structure and function are either unavailable or do not agree on the potential impact of this missense change (SIFT: "Deleterious"; PolyPhen-2: "Benign"; Align-GVGD: "Class C55"). ClinVar contains an entry for this variant (Variation ID: 958521). This variant is present in population databases (rs529946021, gnomAD 0.006%). This sequence change replaces serine, which is neutral and polar, with glycine, which is neutral and non-polar, at codon 220 of the OTX2 protein (p.Ser220Gly).

NM_021728.4(OTX2):c.682A>G (p.Ser228Gly)

Gene: OTX2 (orthodenticle homeobox 2; minus strand). Cytogenetic location: 14q22.3.
Variant type: single nucleotide variant.
Coding change: c.682A>G on transcript NM_021728.4 (MANE Select); coding-DNA position 682, A replaced by G.
Protein change: p.Ser228Gly; replaces serine 228 with glycine.
Molecular consequence: missense variant. On other transcripts: non-coding transcript variant (2).
Genome position (GRCh38, 1-based): chr14:56,801,947, T>C on the plus strand (A>G on the coding strand, the complement: OTX2 is on the minus strand). VCF-style: chr14-56801947-T-C. GRCh37 (hg19) VCF-style: chr14-57268665-T-C.
Other names: c.658A>G (NM_172337.1); c.682A>G (NM_021728.2); c.658A>G, p.Ser220Gly (NM_001270523.2, NM_001270524.2, NM_172337.3); c.682A>G, p.Ser228Gly (NM_001270525.2); short protein forms S220G, S228G.
Identifiers: ClinVar variation 958521 (VCV000958521.13), dbSNP rs529946021, ClinGen allele CA7200438.